The following is an entry in ClinVar:

NM_006231.4(POLE):c.4150-12_4158dup

Gene: POLE (DNA polymerase epsilon, catalytic subunit; minus strand). Cytogenetic location: 12q24.33.
Variant type: Duplication.
Coding change: c.4150-12_4158dup on transcript NM_006231.4 (MANE Select); 12 bases into the intron before coding-DNA position 4150 through coding-DNA position 4158, 21 bases duplicated (TATTCTCGCCAGGTAAATCGG).
Molecular consequence: splice acceptor variant.
Genome position (GRCh38, 1-based): chr12:132,643,969-132,643,989, CCGATTTACCTGGCGAGAATA duplicated on the plus strand (TATTCTCGCCAGGTAAATCGG on the coding strand, the reverse complement: POLE is on the minus strand); duplicating any 21 consecutive bases within chr12:132,643,969-132,643,990 gives the same sequence; the c. name uses the placement nearest the transcript's 3' end. VCF-style (leftmost placement, unchanged base first): chr12-132643968-C-CCCGATTTACCTGGCGAGAATA. GRCh37 (hg19) VCF-style: chr12-133220554-C-CCCGATTTACCTGGCGAGAATA.
Identifiers: ClinVar variation 1738261 (VCV001738261.3), dbSNP rs2541903395, ClinGen allele CA2580086148.
Genomic context (GRCh38, chr12:132,643,968, plus strand): 5'-ACATGTCCTCTGGCACTGAATACTCATAGAGATTGTAGACCATGTTGGAGCGAGGAAGGA[C>CCCGATTTACCTGGCGAGAATA]CCGATTTACCTGGCGAGAATACGACGATGATCTCGTCACTGGGCGTAAGTGGTAATGTCT-3'

ClinVar aggregate classification (germline): Uncertain significance (1 of 4 stars; one submission).

Conditions:
Hereditary cancer-predisposing syndrome. Also called: Tumor predisposition; Hereditary Cancer Syndrome; Hereditary neoplastic syndrome; Neoplastic Syndromes, Hereditary. Identifiers: Orphanet 140162, MedGen C0027672, MeSH D009386, MONDO:0015356.

Submission:

Ambry Genetics
Classification: Uncertain significance for Hereditary cancer-predisposing syndrome. Last evaluated: 2026-02-17. Review status: criteria provided, single submitter. Criteria: Ambry Variant Classification Scheme 2023. Collection method: clinical testing. Allele origin: germline.
Comment: The c.4150-12_4158dup21 variant results from a duplication of 21 nucleotides at positions c.4150-12 to 4158 in the POLE gene. In silico splice site analysis predicts that this alteration may weaken the native splice acceptor site and predicts that this alteration will result in the creation or strengthening of a novel splice acceptor site. Based on the available evidence, the clinical significance of this variant remains unclear.